The following is an entry in ClinVar:

ClinVar aggregate classification (germline): Uncertain significance (1 of 4 stars; one submission).

Conditions:
GRIN1-related disorder. Also called: GRIN1-related condition.

Submission:

PreventionGenetics, part of Exact Sciences
Classification: Uncertain significance for GRIN1-related condition. Last evaluated: 2025-11-01. Review status: criteria provided, single submitter. Criteria: ACMG Guidelines, 2015. Collection method: clinical testing. Allele origin: germline.
Comment: The GRIN1 c.1988G>C variant is predicted to result in the amino acid substitution p.Arg663Pro. To our knowledge, this variant has not been reported in the literature or in a large population database (gnomAD), indicating this variant is rare. At this time, the clinical significance of this variant is uncertain due to the absence of conclusive functional and genetic evidence.

NM_007327.4(GRIN1):c.1988G>C (p.Arg663Pro)

Gene: GRIN1 (glutamate ionotropic receptor NMDA type subunit 1; plus strand). Cytogenetic location: 9q34.3.
Variant type: single nucleotide variant.
Coding change: c.1988G>C on transcript NM_007327.4 (MANE Select); coding-DNA position 1988, G replaced by C.
Protein change: p.Arg663Pro; replaces arginine 663 with proline.
Molecular consequence: missense variant.
Genome position (GRCh38, 1-based): chr9:137,162,714, G>C. VCF-style: chr9-137162714-G-C. GRCh37 (hg19) VCF-style: chr9-140057166-G-C.
Other names: c.1988G>C, p.Arg663Pro (NM_000832.7, NM_021569.4); c.2051G>C, p.Arg684Pro (NM_001185090.2, NM_001185091.2, NM_001437330.1 and 1 more transcripts); short protein forms R663P, R684P.
Identifiers: ClinVar variation 4994719 (VCV004994719.1).
Genomic context (GRCh38, chr9:137,162,714, plus strand): 5'-TCGTGGCCTCCTACACCGCCAACCTGGCGGCCTTCCTGGTGCTGGACCGGCCGGAGGAGC[G>C]CATCACGGGCATCAACGACCCTCGGGTGAGGCCTGGCCGGGCTGGGGGAGGGAATGCGAG-3'
Protein context (NP_015566.1, residues 653-673): AFLVLDRPEE[Arg663Pro]ITGINDPRLR